The following is an entry in ClinVar:

NM_000321.3(RB1):c.520T>G (p.Leu174Val)

Gene: RB1 (RB transcriptional corepressor 1; plus strand). Cytogenetic location: 13q14.2.
Variant type: single nucleotide variant.
Coding change: c.520T>G on transcript NM_000321.3 (MANE Select); coding-DNA position 520, T replaced by G.
Protein change: p.Leu174Val; replaces leucine 174 with valine.
Molecular consequence: missense variant.
Genome position (GRCh38, 1-based): chr13:48,347,844, T>G. VCF-style: chr13-48347844-T-G. GRCh37 (hg19) VCF-style: chr13-48921980-T-G.
Other names: c.520T>G (NM_000321.2); short protein forms L174V.
Identifiers: ClinVar variation 1041461 (VCV001041461.11), dbSNP rs1426744051, ClinGen allele CA388156820.

ClinVar aggregate classification (germline): Conflicting classifications of pathogenicity. Review status: criteria provided, conflicting classifications (1 of 4 stars). 2 submissions from 2 submitters: Uncertain significance (1); Likely benign (1). Last evaluated 2026-05-18.

Conditions:
Hereditary cancer-predisposing syndrome. Also called: Hereditary neoplastic syndrome; Neoplastic Syndromes, Hereditary; Tumor predisposition; Hereditary Cancer Syndrome. Identifiers: Orphanet 140162, MedGen C0027672, MeSH D009386, MONDO:0015356.
Retinoblastoma (RB1). Also called: RETINOBLASTOMA, SOMATIC. Identifiers: Orphanet 790, MedGen C0035335, MeSH D012175, MONDO:0008380, OMIM 180200, HP:0009919. Disease mechanism: loss of function. Inheritance: Both sporadic and heritable forms are tested..

Submissions (2):

Ambry Genetics
Classification: Likely benign for Hereditary cancer-predisposing syndrome. Last evaluated: 2026-05-18. Review status: criteria provided, single submitter. Criteria: Ambry Variant Classification Scheme 2023. Collection method: clinical testing. Allele origin: germline.

Labcorp Genetics (formerly Invitae), Labcorp
Classification: Uncertain significance for Retinoblastoma. Last evaluated: 2020-01-16. Review status: criteria provided, single submitter. Criteria: Invitae Variant Classification Sherloc (09022015). Collection method: clinical testing. Allele origin: germline.
Comment: This sequence change replaces leucine with valine at codon 174 of the RB1 protein (p.Leu174Val). The leucine residue is highly conserved and there is a small physicochemical difference between leucine and valine. In summary, the available evidence is currently insufficient to determine the role of this variant in disease. Therefore, it has been classified as a Variant of Uncertain Significance. Algorithms developed to predict the effect of missense changes on protein structure and function are either unavailable or do not agree on the potential impact of this missense change (SIFT: "Deleterious"; PolyPhen-2: "Benign"; Align-GVGD: "Class C0"). This variant has not been reported in the literature in individuals with RB1-related conditions. This variant is not present in population databases (ExAC no frequency).